The following is an entry in ClinVar:

NM_006767.4(LZTR1):c.2327T>C (p.Ile776Thr)

Gene: LZTR1 (leucine zipper like post translational regulator 1; plus strand). Cytogenetic location: 22q11.21.
Variant type: single nucleotide variant.
Coding change: c.2327T>C on transcript NM_006767.4 (MANE Select); coding-DNA position 2327, T replaced by C.
Protein change: p.Ile776Thr; replaces isoleucine 776 with threonine.
Molecular consequence: missense variant.
Genome position (GRCh38, 1-based): chr22:20,996,887, T>C. VCF-style: chr22-20996887-T-C. GRCh37 (hg19) VCF-style: chr22-21351176-T-C.
Other names: c.2327T>C (NM_006767.3); short protein forms I776T.
Identifiers: ClinVar variation 2980501 (VCV002980501.4), dbSNP rs1924875603, ClinGen allele CA410780966.

ClinVar aggregate classification (germline): Uncertain significance. Review status: criteria provided, multiple submitters, no conflicts (2 of 4 stars). 2 submissions from 2 submitters: Uncertain significance (2). Last evaluated 2024-01-29.

Conditions:
Cardiovascular phenotype. Identifiers: MedGen CN230736.
Hereditary cancer-predisposing syndrome. Also called: Tumor predisposition; Hereditary neoplastic syndrome; Hereditary Cancer Syndrome; Neoplastic Syndromes, Hereditary. Identifiers: Orphanet 140162, MedGen C0027672, MeSH D009386, MONDO:0015356.

Submissions (2):

Labcorp Genetics (formerly Invitae), Labcorp
Classification: Uncertain significance. Last evaluated: 2024-01-29. Review status: criteria provided, single submitter. Criteria: Invitae Variant Classification Sherloc (09022015). Collection method: clinical testing. Allele origin: germline.
Comment: This sequence change replaces isoleucine, which is neutral and non-polar, with threonine, which is neutral and polar, at codon 776 of the LZTR1 protein (p.Ile776Thr). This variant is not present in population databases (gnomAD no frequency). This variant has not been reported in the literature in individuals affected with LZTR1-related conditions. An algorithm developed to predict the effect of missense changes on protein structure and function (PolyPhen-2) suggests that this variant is likely to be tolerated. In summary, the available evidence is currently insufficient to determine the role of this variant in disease. Therefore, it has been classified as a Variant of Uncertain Significance.

Ambry Genetics
Classification: Uncertain significance for Cardiovascular phenotype; Hereditary cancer-predisposing syndrome. Last evaluated: 2024-01-20. Review status: criteria provided, single submitter. Criteria: Ambry Variant Classification Scheme 2023. Collection method: clinical testing. Allele origin: germline.
Comment: The p.I776T variant (also known as c.2327T>C), located in coding exon 20 of the LZTR1 gene, results from a T to C substitution at nucleotide position 2327. The isoleucine at codon 776 is replaced by threonine, an amino acid with similar properties. This amino acid position is conserved. In addition, this alteration is predicted to be deleterious by in silico analysis. Based on the available evidence, the clinical significance of this alteration remains unclear.